The following is an entry in ClinVar:

ClinVar aggregate classification (germline): Uncertain significance. Review status: criteria provided, multiple submitters, no conflicts (2 of 4 stars). 2 submissions from 2 submitters: Uncertain significance (2). Last evaluated 2025-05-05.

Conditions:
Inborn genetic diseases. Identifiers: MedGen C0950123, MeSH D030342.

Allele frequency attached by ClinVar (database versions not stated): ExAC below 0.00001; gnomAD exomes 0.00001 and 0.00005; TOPMed 0.00002; ESP Exome Variant Server 0.00008.
gnomAD v4.1: 67 of 1,577,148 alleles (0.0042%); highest among the groups gnomAD compares: Non-Finnish European, 0.0058%; no homozygotes.

Submissions (2):

Labcorp Genetics (formerly Invitae), Labcorp
Classification: Uncertain significance. Last evaluated: 2025-05-05. Review status: criteria provided, single submitter. Criteria: Invitae Variant Classification Sherloc (09022015). Collection method: clinical testing. Allele origin: germline.
Comment: This sequence change replaces glutamine, which is neutral and polar, with lysine, which is basic and polar, at codon 294 of the GRM6 protein (p.Gln294Lys). This variant is present in population databases (rs149573697, gnomAD 0.003%). This variant has not been reported in the literature in individuals affected with GRM6-related conditions. ClinVar contains an entry for this variant (Variation ID: 860388). Invitae Evidence Modeling of protein sequence and biophysical properties (such as structural, functional, and spatial information, amino acid conservation, physicochemical variation, residue mobility, and thermodynamic stability) indicates that this missense variant is not expected to disrupt GRM6 protein function with a negative predictive value of 95%. In summary, the available evidence is currently insufficient to determine the role of this variant in disease. Therefore, it has been classified as a Variant of Uncertain Significance.

Ambry Genetics
Classification: Uncertain significance for Inborn genetic diseases. Last evaluated: 2025-04-09. Review status: criteria provided, single submitter. Criteria: Ambry Variant Classification Scheme 2023. Collection method: clinical testing. Allele origin: germline.

NM_000843.4(GRM6):c.880C>A (p.Gln294Lys)

Gene: GRM6 (glutamate metabotropic receptor 6; minus strand). Cytogenetic location: 5q35.3.
Variant type: single nucleotide variant.
Coding change: c.880C>A on transcript NM_000843.4 (MANE Select); coding-DNA position 880, C replaced by A.
Protein change: p.Gln294Lys; replaces glutamine 294 with lysine.
Molecular consequence: missense variant.
Genome position (GRCh38, 1-based): chr5:178,990,724, G>T on the plus strand (C>A on the coding strand, the complement: GRM6 is on the minus strand). VCF-style: chr5-178990724-G-T. GRCh37 (hg19) VCF-style: chr5-178417725-G-T.
Other names: short protein forms Q294K.
Identifiers: ClinVar variation 860388 (VCV000860388.9), dbSNP rs149573697, ClinGen allele CA3594310.
Genomic context (GRCh38, chr5:178,990,724, plus strand): 5'-AGGTCTTGGCTCCCCAGCTGTCTGAGCCGACCCACAGGAAGTGGCCGGTCAGGTTGGCCT[G>T]GCGAGCTGCCTCCAGGACCCGCCTGGTAGGAGCAGGGCTGGGGTGAGGGAGGGCCTGGGA-3'
Protein context (NP_000834.2, residues 284-304): DIRRVLEAAR[Gln294Lys]ANLTGHFLWV